The following is an entry in ClinVar:

ClinVar aggregate classification (germline): Uncertain significance. Review status: criteria provided, multiple submitters, no conflicts (2 of 4 stars). 2 submissions from 2 submitters: Uncertain significance (2). Last evaluated 2025-06-06.

Conditions:
Hereditary cancer-predisposing syndrome. Also called: Neoplastic Syndromes, Hereditary; Tumor predisposition; Hereditary Cancer Syndrome; Hereditary neoplastic syndrome. Identifiers: Orphanet 140162, MedGen C0027672, MeSH D009386, MONDO:0015356.

Allele frequency attached by ClinVar (database versions not stated): gnomAD exomes below 0.00001.
gnomAD v4.1: 1 of 1,613,782 alleles (0.000062%); highest among the groups gnomAD compares: Non-Finnish European, 0.000085%; no homozygotes.

Submissions (2):

Ambry Genetics
Classification: Uncertain significance for Hereditary cancer-predisposing syndrome. Last evaluated: 2025-06-06. Review status: criteria provided, single submitter. Criteria: Ambry Variant Classification Scheme 2023. Collection method: clinical testing. Allele origin: germline.
Comment: The p.D75G variant (also known as c.224A>G), located in coding exon 3 of the POLE gene, results from an A to G substitution at nucleotide position 224. The aspartic acid at codon 75 is replaced by glycine, an amino acid with similar properties. This amino acid position is conserved. In addition, the in silico prediction for this alteration is inconclusive. Based on the available evidence, the clinical significance of this variant remains unclear.

Labcorp Genetics (formerly Invitae), Labcorp
Classification: Uncertain significance. Last evaluated: 2025-05-26. Review status: criteria provided, single submitter. Criteria: Invitae Variant Classification Sherloc (09022015). Collection method: clinical testing. Allele origin: germline.
Comment: This sequence change replaces aspartic acid, which is acidic and polar, with glycine, which is neutral and non-polar, at codon 75 of the POLE protein (p.Asp75Gly). This variant is not present in population databases (gnomAD no frequency). This variant has not been reported in the literature in individuals affected with POLE-related conditions. ClinVar contains an entry for this variant (Variation ID: 1002632). Invitae Evidence Modeling of protein sequence and biophysical properties (such as structural, functional, and spatial information, amino acid conservation, physicochemical variation, residue mobility, and thermodynamic stability) indicates that this missense variant is not expected to disrupt POLE protein function with a negative predictive value of 80%. Algorithms developed to predict the effect of sequence changes on RNA splicing suggest that this variant may disrupt the consensus splice site. In summary, the available evidence is currently insufficient to determine the role of this variant in disease. Therefore, it has been classified as a Variant of Uncertain Significance.

NM_006231.4(POLE):c.224A>G (p.Asp75Gly)

Gene: POLE (DNA polymerase epsilon, catalytic subunit; minus strand). Cytogenetic location: 12q24.33.
Variant type: single nucleotide variant.
Coding change: c.224A>G on transcript NM_006231.4 (MANE Select); coding-DNA position 224, A replaced by G.
Protein change: p.Asp75Gly; replaces aspartic acid 75 with glycine.
Molecular consequence: missense variant.
Genome position (GRCh38, 1-based): chr12:132,680,668, T>C on the plus strand (A>G on the coding strand, the complement: POLE is on the minus strand). VCF-style: chr12-132680668-T-C. GRCh37 (hg19) VCF-style: chr12-133257254-T-C.
Other names: c.224A>G (NM_006231.2); short protein forms D75G.
Identifiers: ClinVar variation 1002632 (VCV001002632.9), dbSNP rs2043147716, ClinGen allele CA387369308.
Genomic context (GRCh38, chr12:132,680,668, plus strand): 5'-TTAAATCTGCTTCCGTCATCTTGAATAAAGTAGTAATCCACTGCACTGCCTAAGCGCTTA[T>C]CTTCATCTAAAATCTCGGTCTACAAGAGAATCAGTCAACACAGACACAAGACCATCCTCT-3'
Protein context (NP_006222.2, residues 65-85): NMHPTEILDE[Asp75Gly]KRLGSAVDYY